The following is an entry in ClinVar:

NM_002878.4(RAD51D):c.727A>T (p.Met243Leu)

Genes: RAD51D (RAD51 paralog D; minus strand), RAD51L3-RFFL (RAD51L3-RFFL readthrough; minus strand). Cytogenetic location: 17q12.
Variant type: single nucleotide variant.
Coding change: c.727A>T on transcript NM_002878.4 (MANE Select); coding-DNA position 727, A replaced by T.
Protein change: p.Met243Leu; replaces methionine 243 with leucine.
Molecular consequence: missense variant. On other transcripts: non-coding transcript variant (3).
Genome position (GRCh38, 1-based): chr17:35,103,265, T>A on the plus strand (A>T on the coding strand, the complement: RAD51D is on the minus strand). VCF-style: chr17-35103265-T-A. GRCh37 (hg19) VCF-style: chr17-33430284-T-A.
Other names: c.787A>T, p.Met263Leu (NM_001142571.2); c.391A>T, p.Met131Leu (NM_133629.3); short protein forms M131L, M243L, M263L.
Identifiers: ClinVar variation 934414 (VCV000934414.7), dbSNP rs1381391199, ClinGen allele CA399087504.

ClinVar aggregate classification (germline): Uncertain significance. Review status: criteria provided, multiple submitters, no conflicts (2 of 4 stars). 2 submissions from 2 submitters: Uncertain significance (2). Last evaluated 2026-07-06.

Conditions:
Hereditary cancer-predisposing syndrome. Also called: Neoplastic Syndromes, Hereditary; Hereditary Cancer Syndrome; Tumor predisposition; Hereditary neoplastic syndrome. Identifiers: Orphanet 140162, MedGen C0027672, MeSH D009386, MONDO:0015356.
Breast-ovarian cancer, familial, susceptibility to, 4. Identifiers: Orphanet 145, MedGen C3280345, MONDO:0013669, OMIM 614291.

Submissions (2):

Ambry Genetics
Classification: Uncertain significance for Hereditary cancer-predisposing syndrome. Last evaluated: 2026-07-06. Review status: criteria provided, single submitter. Criteria: Ambry Variant Classification Scheme 2023. Collection method: clinical testing. Allele origin: germline.
Comment: The p.M243L variant (also known as c.727A>T), located in coding exon 8 of the RAD51D gene, results from an A to T substitution at nucleotide position 727. The methionine at codon 243 is replaced by leucine, an amino acid with highly similar properties. This amino acid position is conserved. In addition, this alteration is predicted to be tolerated by in silico analysis. Based on the available evidence, the clinical significance of this variant remains unclear.

Labcorp Genetics (formerly Invitae), Labcorp
Classification: Uncertain significance for Breast-ovarian cancer, familial, susceptibility to, 4. Last evaluated: 2024-05-21. Review status: criteria provided, single submitter. Criteria: Invitae Variant Classification Sherloc (09022015). Collection method: clinical testing. Allele origin: germline.
Comment: This sequence change replaces methionine, which is neutral and non-polar, with leucine, which is neutral and non-polar, at codon 243 of the RAD51D protein (p.Met243Leu). This variant is not present in population databases (gnomAD no frequency). This variant has not been reported in the literature in individuals affected with RAD51D-related conditions. ClinVar contains an entry for this variant (Variation ID: 934414). Advanced modeling of protein sequence and biophysical properties (such as structural, functional, and spatial information, amino acid conservation, physicochemical variation, residue mobility, and thermodynamic stability) performed at Invitae indicates that this missense variant is not expected to disrupt RAD51D protein function with a negative predictive value of 80%. In summary, the available evidence is currently insufficient to determine the role of this variant in disease. Therefore, it has been classified as a Variant of Uncertain Significance.